The following is an entry in ClinVar:

NM_001077415.3(CRELD1):c.611G>A (p.Arg204His)

Gene: CRELD1 (CRELD disulfide isomerase 1; plus strand). Cytogenetic location: 3p25.3.
Variant type: single nucleotide variant.
Coding change: c.611G>A on transcript NM_001077415.3 (MANE Select); coding-DNA position 611, G replaced by A.
Protein change: p.Arg204His; replaces arginine 204 with histidine.
Molecular consequence: missense variant. On other transcripts: non-coding transcript variant (3).
Genome position (GRCh38, 1-based): chr3:9,941,000, G>A. VCF-style: chr3-9941000-G-A. GRCh37 (hg19) VCF-style: chr3-9982684-G-A.
Other names: c.611G>A, p.Arg204His (NM_001031717.4, NM_001374316.1, NM_001374317.1 and 5 more transcripts); short protein forms R204H.
Identifiers: ClinVar variation 2194155 (VCV002194155.4), dbSNP rs760277160, ClinGen allele CA2247741.

ClinVar aggregate classification (germline): Uncertain significance (1 of 4 stars; one submission).

Conditions:
Atrioventricular septal defect, susceptibility to, 2. Identifiers: MedGen C1853508, MONDO:0011650, OMIM 606217.

Allele frequency attached by ClinVar (database versions not stated): ExAC 0.00001; gnomAD 0.00001; gnomAD exomes 0.00001; TOPMed 0.00003.

Submission:

Labcorp Genetics (formerly Invitae), Labcorp
Classification: Uncertain significance for Atrioventricular septal defect, susceptibility to, 2. Last evaluated: 2024-12-02. Review status: criteria provided, single submitter. Criteria: Invitae Variant Classification Sherloc (09022015). Collection method: clinical testing. Allele origin: germline.
Comment: This sequence change replaces arginine, which is basic and polar, with histidine, which is basic and polar, at codon 204 of the CRELD1 protein (p.Arg204His). This variant is present in population databases (rs760277160, gnomAD 0.007%). This variant has not been reported in the literature in individuals affected with CRELD1-related conditions. ClinVar contains an entry for this variant (Variation ID: 2194155). An algorithm developed to predict the effect of missense changes on protein structure and function (PolyPhen-2) suggests that this variant is likely to be tolerated. In summary, the available evidence is currently insufficient to determine the role of this variant in disease. Therefore, it has been classified as a Variant of Uncertain Significance.